The following is an entry in ClinVar:

NM_022455.5(NSD1):c.1084dup (p.Arg362fs)

Gene: NSD1 (nuclear receptor binding SET domain protein 1; plus strand). Cytogenetic location: 5q35.3.
Variant type: Duplication.
Coding change: c.1084dup on transcript NM_022455.5 (MANE Select); coding-DNA position 1084, one base duplicated (C; older notation c.1084dupC).
Protein change: p.Arg362fs; shifts the reading frame from arginine 362.
Molecular consequence: frameshift variant.
Genome position (GRCh38, 1-based): chr5:177,204,140, C duplicated. VCF-style (leftmost placement, unchanged base first): chr5-177204139-T-TC. GRCh37 (hg19) VCF-style: chr5-176631140-T-TC.
Other names: c.211dup, p.Arg71fs (NM_001365684.2, NM_001409306.1, NM_001409307.1 and 3 more transcripts); c.1084dup, p.Arg362fs (NM_001409301.1, NM_001409302.1, NM_001409303.1); c.664dup, p.Arg222fs (NM_001409304.1); c.331dup, p.Arg111fs (NM_001409305.1); c.1084dupC (NM_022455.4); short protein forms R111fs, R222fs, R71fs, R362fs.
Identifiers: ClinVar variation 3202261 (VCV003202261.1), dbSNP rs2480411247, ClinGen allele CA2825001430.

ClinVar aggregate classification (germline): Pathogenic (1 of 4 stars; one submission).

Conditions:
Inborn genetic diseases. Identifiers: MedGen C0950123, MeSH D030342.

Submission:

Ambry Genetics
Classification: Pathogenic for Inborn genetic diseases. Last evaluated: 2024-01-26. Review status: criteria provided, single submitter. Criteria: Ambry Variant Classification Scheme 2023. Collection method: clinical testing. Allele origin: germline.
Comment: The c.1084dupC (p.R362Pfs*13) alteration, located in exon 4 (coding exon 3) of the NSD1 gene, consists of a duplication of C at position 1084, causing a translational frameshift with a predicted alternate stop codon after 13 amino acids. This alteration is expected to result in loss of function by premature protein truncation or nonsense-mediated mRNA decay. This variant was not reported in population-based cohorts in the Genome Aggregation Database (gnomAD). Based on the available evidence, this alteration is classified as pathogenic.